The following is an entry in ClinVar:

ClinVar aggregate classification (germline): Uncertain significance (1 of 4 stars; one submission).

Allele frequency attached by ClinVar (database versions not stated): TOPMed 0.00001; gnomAD 0.00003; gnomAD exomes 0.00004; ExAC 0.00008; 1000 Genomes Project 30x 0.00031; 1000 Genomes Project 0.00040.
gnomAD v4.1: 65 of 1,614,034 alleles (0.004%); highest among the groups gnomAD compares: South Asian, 0.068%; no homozygotes.

Submission:

Labcorp Genetics (formerly Invitae), Labcorp
Classification: Uncertain significance. Last evaluated: 2022-10-07. Review status: criteria provided, single submitter. Criteria: Invitae Variant Classification Sherloc (09022015). Collection method: clinical testing. Allele origin: germline.
Comment: This sequence change replaces methionine, which is neutral and non-polar, with threonine, which is neutral and polar, at codon 849 of the ASPM protein (p.Met849Thr). This variant is present in population databases (rs555969396, gnomAD 0.07%). This variant has not been reported in the literature in individuals affected with ASPM-related conditions. Advanced modeling of protein sequence and biophysical properties (such as structural, functional, and spatial information, amino acid conservation, physicochemical variation, residue mobility, and thermodynamic stability) performed at Invitae indicates that this missense variant is not expected to disrupt ASPM protein function. In summary, the available evidence is currently insufficient to determine the role of this variant in disease. Therefore, it has been classified as a Variant of Uncertain Significance.

NM_018136.5(ASPM):c.2546T>C (p.Met849Thr)

Gene: ASPM (assembly factor for spindle microtubules; minus strand). Cytogenetic location: 1q31.3.
Variant type: single nucleotide variant.
Coding change: c.2546T>C on transcript NM_018136.5 (MANE Select); coding-DNA position 2546, T replaced by C.
Protein change: p.Met849Thr; replaces methionine 849 with threonine.
Molecular consequence: missense variant.
Genome position (GRCh38, 1-based): chr1:197,129,998, A>G on the plus strand (T>C on the coding strand, the complement: ASPM is on the minus strand). VCF-style: chr1-197129998-A-G. GRCh37 (hg19) VCF-style: chr1-197099128-A-G.
Other names: c.2546T>C, p.Met849Thr (NM_001206846.2); short protein forms M849T.
Identifiers: ClinVar variation 2188831 (VCV002188831.1), dbSNP rs555969396, ClinGen allele CA1310416.